The following is an entry in ClinVar:

ClinVar aggregate classification (germline): Pathogenic (1 of 4 stars; one submission).

Conditions:
Carnitine palmitoyl transferase 1A deficiency. Also called: Carnitine palmitoyltransferase type I deficiency; CPT deficiency, hepatic, type IA; CPT I DEFICIENCY; CPT DEFICIENCY, HEPATIC, TYPE I; Carnitine palmitoyltransferase 1A deficiency. Identifiers: Orphanet 156, MedGen C1829703, MONDO:0009705, OMIM 255120.

Submission:

Labcorp Genetics (formerly Invitae), Labcorp
Classification: Pathogenic for Carnitine palmitoyl transferase 1A deficiency. Last evaluated: 2022-03-17. Review status: criteria provided, single submitter. Criteria: Invitae Variant Classification Sherloc (09022015). Collection method: clinical testing. Allele origin: germline.
Comment: For these reasons, this variant has been classified as Pathogenic. This variant has not been reported in the literature in individuals affected with CPT1A-related conditions. This variant is not present in population databases (gnomAD no frequency). This sequence change creates a premature translational stop signal (p.Tyr589*) in the CPT1A gene. It is expected to result in an absent or disrupted protein product. Loss-of-function variants in CPT1A are known to be pathogenic (PMID: 16169268).

Literature cited by the submitters: PubMed 16169268.

NM_001876.4(CPT1A):c.1767C>A (p.Tyr589Ter)

Gene: CPT1A (carnitine palmitoyltransferase 1A; minus strand). Cytogenetic location: 11q13.3.
Variant type: single nucleotide variant.
Coding change: c.1767C>A on transcript NM_001876.4 (MANE Select); coding-DNA position 1767, C replaced by A.
Protein change: p.Tyr589Ter; replaces tyrosine 589 with a stop codon.
Molecular consequence: nonsense.
Genome position (GRCh38, 1-based): chr11:68,762,735, G>T on the plus strand (C>A on the coding strand, the complement: CPT1A is on the minus strand). VCF-style: chr11-68762735-G-T. GRCh37 (hg19) VCF-style: chr11-68530203-G-T.
Other names: c.1767C>A, p.Tyr589Ter (NM_001031847.3); short protein forms Y589*.
Identifiers: ClinVar variation 2113313 (VCV002113313.4), dbSNP rs762044597, ClinGen allele CA381627741.